The following is an entry in ClinVar:

NM_000075.4(CDK4):c.882T>C (p.Tyr294=)

Genes: TSPAN31 (tetraspanin 31; plus strand), CDK4 (cyclin dependent kinase 4; minus strand). Cytogenetic location: 12q14.1.
Variant type: single nucleotide variant.
Coding change: c.882T>C on transcript NM_000075.4 (MANE Select); coding-DNA position 882, T replaced by C.
Protein change: p.Tyr294=; no amino-acid change (tyrosine 294 retained).
Molecular consequence: synonymous variant. On other transcripts: 3 prime UTR variant (3).
Genome position (GRCh38, 1-based): chr12:57,748,555, A>G on the plus strand (T>C on the coding strand, the complement: CDK4 is on the minus strand). VCF-style: chr12-57748555-A-G. GRCh37 (hg19) VCF-style: chr12-58142338-A-G.
Other names: c.*1265A>G (NM_001330168.2, NM_001330169.2, NM_005981.5).
Identifiers: ClinVar variation 483280 (VCV000483280.16), dbSNP rs1307304019, ClinGen allele CA480299564.

ClinVar aggregate classification (germline): Benign/Likely benign. Review status: criteria provided, multiple submitters, no conflicts (2 of 4 stars). 4 submissions from 4 submitters: Benign (1); Likely benign (3). Last evaluated 2025-11-23.

Conditions:
Hereditary cancer-predisposing syndrome. Also called: Neoplastic Syndromes, Hereditary; Tumor predisposition; Hereditary Cancer Syndrome; Hereditary neoplastic syndrome. Identifiers: Orphanet 140162, MedGen C0027672, MeSH D009386, MONDO:0015356.
Familial melanoma. Also called: Hereditary melanoma; Hereditary cutaneous melanoma. Identifiers: Orphanet 618, MedGen C1512419, MONDO:0018961.
Melanoma, cutaneous malignant, susceptibility to, 3. Also called: Cutaneous malignant melanoma 3. Identifiers: Orphanet 618, MedGen C1836892, MONDO:0012183, OMIM 609048.

Allele frequency attached by ClinVar (database versions not stated): gnomAD exomes below 0.00001; gnomAD 0.00001; TOPMed 0.00001.
gnomAD v4.1: 5 of 1,613,664 alleles (0.00031%); highest among the groups gnomAD compares: African/African-American, 0.0013%; no homozygotes.

Submissions (4):

Women's Health and Genetics/Laboratory Corporation of America, LabCorp
Classification: Likely benign. Last evaluated: 2025-11-23. Review status: criteria provided, single submitter. Criteria: LabCorp Variant Classification Summary - May 2015. Collection method: clinical testing. Allele origin: germline.

Labcorp Genetics (formerly Invitae), Labcorp
Classification: Likely benign for Familial melanoma. Last evaluated: 2024-11-09. Review status: criteria provided, single submitter. Criteria: Invitae Variant Classification Sherloc (09022015). Collection method: clinical testing. Allele origin: germline.

Myriad Genetics, Inc.
Classification: Benign for Melanoma, cutaneous malignant, susceptibility to, 3. Last evaluated: 2024-09-27. Review status: criteria provided, single submitter. Criteria: Myriad Autosomal Dominant, Autosomal Recessive and X-Linked Classification Criteria (2023). Collection method: clinical testing. Allele origin: unknown.
Comment: This variant is considered benign. This variant is a silent/synonymous amino acid change and it is not expected to impact splicing.

Ambry Genetics
Classification: Likely benign for Hereditary cancer-predisposing syndrome. Last evaluated: 2016-10-18. Review status: criteria provided, single submitter. Criteria: Ambry Variant Classification Scheme 2023. Collection method: clinical testing. Allele origin: germline.